The following is an entry in ClinVar:

NM_000455.5(STK11):c.566C>T (p.Thr189Ile)

Gene: STK11 (serine/threonine kinase 11; plus strand). Cytogenetic location: 19p13.3.
Variant type: single nucleotide variant.
Coding change: c.566C>T on transcript NM_000455.5 (MANE Select); coding-DNA position 566, C replaced by T.
Protein change: p.Thr189Ile; replaces threonine 189 with isoleucine.
Molecular consequence: missense variant.
Genome position (GRCh38, 1-based): chr19:1,220,474, C>T. VCF-style: chr19-1220474-C-T. GRCh37 (hg19) VCF-style: chr19-1220473-C-T.
Other names: short protein forms T189I.
Identifiers: ClinVar variation 141128 (VCV000141128.35), dbSNP rs587781515, ClinGen allele CA023082.
Genomic context (GRCh38, chr19:1,220,474, plus strand): 5'-GCCAGGGCATTGTGCACAAGGACATCAAGCCGGGGAACCTGCTGCTCACCACCGGTGGCA[C>T]CCTCAAAATCTCCGACCTGGGCGTGGCCGAGGTAGGCACGTGCTAGGGGGGGCCCTGGGG-3'
Protein context (NP_000446.1, residues 179-199): PGNLLLTTGG[Thr189Ile]LKISDLGVAE

ClinVar aggregate classification (germline): Conflicting classifications of pathogenicity. Review status: criteria provided, conflicting classifications (1 of 4 stars). 14 submissions from 14 submitters: Uncertain significance (8); Benign (1); Likely benign (3). 2 of the submissions do not count toward it. Last evaluated 2025-12-27.

Conditions:
Carcinoma of pancreas. Also called: Exocrine pancreatic carcinoma; Pancreatic carcinoma, somatic; Pancreatic cancer, somatic; PANCREATIC ACINAR CARCINOMA; PANCREATIC CARCINOMA. Identifiers: Orphanet 1333, Orphanet 217074, MedGen C0235974, MONDO:0005192. Disease mechanism: loss of function.
Peutz-Jeghers syndrome (PJS). Also called: Peutz-Jeghers polyposis; Periorificial lentiginosis syndrome; POLYPOSIS, HAMARTOMATOUS INTESTINAL; POLYPS-AND-SPOTS SYNDROME. Identifiers: Orphanet 2869, MedGen C0031269, MeSH D010580, MONDO:0008280, OMIM 175200.
Malignant tumor of testis. Also called: Testicular cancer. Identifiers: MedGen C0153594, MONDO:0005447.
Hereditary cancer-predisposing syndrome. Also called: Neoplastic Syndromes, Hereditary; Hereditary Cancer Syndrome; Hereditary neoplastic syndrome; Tumor predisposition. Identifiers: Orphanet 140162, MedGen C0027672, MeSH D009386, MONDO:0015356.
Hereditary breast ovarian cancer syndrome. Also called: Hereditary breast and ovarian cancer syndrome; Hereditary breast and/or ovarian cancer syndrome; BRCA1- and BRCA2-Associated Hereditary Breast and Ovarian Cancer; Hereditary breast and ovarian cancer; Breast and ovarian cancer; Hereditary breast and ovarian cancer syndrome (HBOC). Identifiers: Orphanet 145, MedGen C0677776, MeSH D061325, MONDO:0003582. Disease mechanism: loss of function.

Allele frequency attached by ClinVar (database versions not stated): gnomAD 0.00003; gnomAD exomes 0.00003 and 0.00005; TOPMed 0.00003; ExAC 0.00007.
gnomAD v4.1: 70 of 1,606,962 alleles (0.0044%); highest among the groups gnomAD compares: East Asian, 0.016%; no homozygotes.

Submissions (14):

Labcorp Genetics (formerly Invitae), Labcorp
Classification: Likely benign for Peutz-Jeghers syndrome. Last evaluated: 2025-12-27. Review status: criteria provided, single submitter. Criteria: Invitae Variant Classification Sherloc (09022015). Collection method: clinical testing. Allele origin: germline.

Quest Diagnostics Nichols Institute San Juan Capistrano
Classification: Uncertain significance. Last evaluated: 2025-03-16. Review status: criteria provided, single submitter. Criteria: Quest Diagnostics criteria. Collection method: clinical testing. Allele origin: unknown.
Comment: The STK11 c.566C>T (p.Thr189Ile) variant has been reported in the published literature in individuals with breast cancer (PMIDs: 30982232 (2019), 35218119 (2022)) and pancreatic cancer (PMID: 35171259 (2022)), as well as individuals diagnosed with Peutz-Jeghers syndrome (PMIDs: 24307375 (2014)). In addition, a case-control study reports that this variant has been observed in both breast cancer cases and reportedly healthy individuals (PMID: 30287823 (2018)). The frequency of this variant in the general population (Genome Aggregation Database) is higher than would generally be expected for pathogenic variants in this gene. Analysis of this variant using bioinformatics tools for the prediction of the effect of amino acid changes on protein structure and function yielded predictions that this variant is damaging. Based on the available information, we are unable to determine the clinical significance of this variant.

Color Diagnostics, LLC DBA Color Health
Classification: Benign for Hereditary cancer-predisposing syndrome. Last evaluated: 2024-11-18. Review status: criteria provided, single submitter. Criteria: ACMG Guidelines, 2015. Collection method: clinical testing. Allele origin: germline.

Women's Health and Genetics/Laboratory Corporation of America, LabCorp
Classification: Likely benign. Last evaluated: 2023-10-24. Review status: criteria provided, single submitter. Criteria: LabCorp Variant Classification Summary - May 2015. Collection method: clinical testing. Allele origin: germline.
Comment: Variant summary: STK11 c.566C>T (p.Thr189Ile) results in a non-conservative amino acid change in the encoded protein sequence. Three of five in-silico tools predict a benign effect of the variant on protein function. The variant allele was found at a frequency of 7.8e-05 in 283350 control chromosomes. The observed variant frequency is approximately 12-fold of the estimated maximal expected allele frequency for a pathogenic variant in STK11 causing Peutz-Jeghers Syndrome phenotype (6.3e-06), strongly suggesting that the variant is benign. c.566C>T has been reported in the literature in individuals affected with breast cancer or pancreatic cancer (example, Momozawa_2018, Wang_2019, Yin_2022), without strong evidence for causality. This variant has also been present in control cohorts of two case-control studies of Biliary tract cancer and Breast cancer, respectively (Okawa_2023, Dorling_2021). These report(s) do not provide unequivocal conclusions about association of the variant with Peutz-Jeghers Syndrome. To our knowledge, no experimental evidence demonstrating an impact on protein function has been reported. The following publications have been ascertained in the context of this evaluation (PMID: 30287823, 36243179, 30982232, 24307375, 35171259, 33471991). 12 submitters have cited clinical-significance assessments for this variant to ClinVar after 2014 (VUS, n=11; Likely benign, n=1). Based on the evidence outlined above, the variant was classified as likely benign.

Myriad Genetics, Inc.
Classification: Uncertain significance for Peutz-Jeghers syndrome. Last evaluated: 2023-04-14. Review status: criteria provided, single submitter. Criteria: Myriad Autosomal Dominant, Autosomal Recessive and X-Linked Classification Criteria (2023). Collection method: clinical testing. Allele origin: unknown.
Comment: This variant is classified as a variant of uncertain significance as there is insufficient evidence to determine its impact on protein function and/or cancer risk.

Genome-Nilou Lab
Classification: Uncertain significance for Peutz-Jeghers syndrome. Last evaluated: 2021-07-15. Review status: criteria provided, single submitter. Criteria: ACMG Guidelines, 2015. Collection method: clinical testing. Allele origin: germline. Affected: no.

Ambry Genetics
Classification: Likely benign for Hereditary cancer-predisposing syndrome. Last evaluated: 2021-05-13. Review status: criteria provided, single submitter. Criteria: Ambry Variant Classification Scheme 2023. Collection method: clinical testing. Allele origin: germline.

GeneDx
Classification: Uncertain significance. Last evaluated: 2021-03-04. Review status: criteria provided, single submitter. Criteria: GeneDx Variant Classification Process June 2021. Collection method: clinical testing. Allele origin: germline. Affected: yes.
Comment: Observed in individuals with reported Peutz-Jeghers syndrome and in individuals with breast cancer, but also present in unaffected control individuals (Watson 2014, Momozawa 2018, Wang 2019); Another variant at the same position, STK11 Thr189Ala, was shown to have reduced phosphorylation ability and increased ability to induce apoptosis over wild type in HT1080 cells (Karuman 2001); In silico analysis supports that this missense variant has a deleterious effect on protein structure/function; This variant is associated with the following publications: (PMID: 25005758, 23724922, 24307375, 11430832, 28706299, 30287823, 30982232, 32566746)

Department of Pathology and Laboratory Medicine, Sinai Health System
Classification: Uncertain significance for Peutz-Jeghers syndrome. Last evaluated: 2020-12-10. Review status: criteria provided, single submitter. Criteria: ACMG Guidelines, 2015. Collection method: clinical testing. Allele origin: germline. Affected: yes.

Cancer Genomics Group, Japanese Foundation For Cancer Research
Classification: Uncertain significance for Hereditary breast and ovarian cancer syndrome. Last evaluated: 2019-05-01. Review status: criteria provided, single submitter. Criteria: ACMG Guidelines, 2015. Collection method: research. Allele origin: germline. Affected: yes.

Fulgent Genetics
Classification: Uncertain significance for Peutz-Jeghers syndrome; Familial pancreatic carcinoma; Germ cell tumor of testis. Last evaluated: 2018-10-31. Review status: criteria provided, single submitter. Criteria: ACMG Guidelines, 2015. Collection method: clinical testing. Allele origin: unknown.

Baylor Genetics
Classification: Uncertain significance for Peutz-Jeghers syndrome. Last evaluated: 2018-02-14. Review status: criteria provided, single submitter. Criteria: ACMG Guidelines, 2015. Collection method: clinical testing. Allele origin: unknown. Affected: yes.
Comment: This variant was determined to be of uncertain significance according to ACMG Guidelines, 2015 [PMID:25741868].

Gharavi Laboratory, Columbia University
Classification: Uncertain significance. Last evaluated: 2018-09-16. Review status: no assertion criteria provided. Criteria: ACMG Guidelines, 2015. Collection method: research. Allele origin: germline. Affected: no. Not counted in ClinVar's aggregate classification.

Counsyl
Classification: Uncertain significance for Peutz-Jeghers syndrome. Last evaluated: 2016-08-16. Review status: no assertion criteria provided. Collection method: clinical testing. Allele origin: unknown. Not counted in ClinVar's aggregate classification.

Literature cited by the submitters: PubMed 35171259 (cited by Quest Diagnostics Nichols Institute San Juan Capistrano and Women's Health and Genetics/Laboratory Corporation of America, LabCorp); PubMed 36243179 (cited by Quest Diagnostics Nichols Institute San Juan Capistrano and Women's Health and Genetics/Laboratory Corporation of America, LabCorp); PubMed 33471991 (cited by Quest Diagnostics Nichols Institute San Juan Capistrano and Women's Health and Genetics/Laboratory Corporation of America, LabCorp); PubMed 30476936 (cited by Quest Diagnostics Nichols Institute San Juan Capistrano); PubMed 35218119 (cited by Quest Diagnostics Nichols Institute San Juan Capistrano); PubMed 24307375 (cited by 5 submitters); PubMed 30287823 (cited by 3 submitters); PubMed 30982232 (cited by Women's Health and Genetics/Laboratory Corporation of America, LabCorp); PubMed 11430832 (cited by 3 submitters).